The following is an entry in ClinVar:

NM_005159.5(ACTC1):c.895A>T (p.Asn299Tyr)

Genes: ACTC1 (actin alpha cardiac muscle 1; minus strand), GJD2-DT (GJD2 divergent transcript; plus strand). Cytogenetic location: 15q14.
Variant type: single nucleotide variant.
Coding change: c.895A>T on transcript NM_005159.5 (MANE Select); coding-DNA position 895, A replaced by T.
Protein change: p.Asn299Tyr; replaces asparagine 299 with tyrosine.
Molecular consequence: missense variant.
Genome position (GRCh38, 1-based): chr15:34,791,209, T>A on the plus strand (A>T on the coding strand, the complement: ACTC1 is on the minus strand). VCF-style: chr15-34791209-T-A. GRCh37 (hg19) VCF-style: chr15-35083410-T-A.
Other names: c.895A>T, p.Asn299Tyr (NM_001406482.1, NM_001406483.1); c.760A>T, p.Asn254Tyr (NM_001406484.1); c.454A>T, p.Asn152Tyr (NM_001406485.1); short protein forms N152Y, N254Y, N299Y.
Identifiers: ClinVar variation 3758849 (VCV003758849.2).

ClinVar aggregate classification (germline): Uncertain significance (1 of 4 stars; one submission).

Conditions:
Atrial septal defect 5 (ASD5). Identifiers: Orphanet 1478, MedGen C2748552, MONDO:0013011, OMIM 612794.
Hypertrophic cardiomyopathy 11. Also called: ACTC1-Related Familial Hypertrophic Cardiomyopathy. Identifiers: MedGen C2677506, MONDO:0012799, OMIM 612098.
Dilated cardiomyopathy 1R (CMD1R). Identifiers: Orphanet 154, Orphanet 54260, MedGen C3150681, MONDO:0013261, OMIM 613424.

Submission:

Labcorp Genetics (formerly Invitae), Labcorp
Classification: Uncertain significance for Dilated cardiomyopathy 1R; Hypertrophic cardiomyopathy 11; Atrial septal defect 5. Last evaluated: 2024-09-16. Review status: criteria provided, single submitter. Criteria: Invitae Variant Classification Sherloc (09022015). Collection method: clinical testing. Allele origin: germline.
Comment: This sequence change replaces asparagine, which is neutral and polar, with tyrosine, which is neutral and polar, at codon 299 of the ACTC1 protein (p.Asn299Tyr). This variant is not present in population databases (gnomAD no frequency). This variant has not been reported in the literature in individuals affected with ACTC1-related conditions. Invitae Evidence Modeling of protein sequence and biophysical properties (such as structural, functional, and spatial information, amino acid conservation, physicochemical variation, residue mobility, and thermodynamic stability) indicates that this missense variant is not expected to disrupt ACTC1 protein function with a negative predictive value of 80%. In summary, the available evidence is currently insufficient to determine the role of this variant in disease. Therefore, it has been classified as a Variant of Uncertain Significance.